The following is an entry in ClinVar:

ClinVar aggregate classification (germline): Uncertain significance (1 of 4 stars; one submission).

Submission:

GeneDx
Classification: Uncertain significance. Last evaluated: 2022-08-25. Review status: criteria provided, single submitter. Criteria: GeneDx Variant Classification Process June 2021. Collection method: clinical testing. Allele origin: germline. Affected: yes.
Comment: Not observed at significant frequency in large population cohorts (gnomAD); In silico analysis supports that this missense variant has a deleterious effect on protein structure/function; Has not been previously published as pathogenic or benign to our knowledge; Variants in candidate genes are classified as variants of uncertain significance in accordance with ACMG guidelines (Richards et al., 2015)

NM_033026.6(PCLO):c.9073C>G (p.Leu3025Val)

Gene: PCLO (piccolo presynaptic cytomatrix protein; minus strand). Cytogenetic location: 7q21.11.
Variant type: single nucleotide variant.
Coding change: c.9073C>G on transcript NM_033026.6 (MANE Select); coding-DNA position 9073, C replaced by G.
Protein change: p.Leu3025Val; replaces leucine 3025 with valine.
Molecular consequence: missense variant.
Genome position (GRCh38, 1-based): chr7:82,951,880, G>C on the plus strand (C>G on the coding strand, the complement: PCLO is on the minus strand). VCF-style: chr7-82951880-G-C. GRCh37 (hg19) VCF-style: chr7-82581196-G-C.
Other names: c.9073C>G, p.Leu3025Val (NM_014510.3); short protein forms L3025V.
Identifiers: ClinVar variation 3903230 (VCV003903230.1).
Genomic context (GRCh38, chr7:82,951,880, plus strand): 5'-ATTTCAAGGAAAGGTCTGCTGCCACATCATACTGACCTGTAGTAACTCTCCCTGAAGTCA[G>C]ATCTACTGCTGTGTCAGTTCCTTCAGAATAATCAAAAGCATTCTTACTTTTATAGAAAAA-3'
Protein context (NP_149015.2, residues 3015-3035): YSEGTDTAVD[Leu3025Val]TSGRVTTGEV